The following is an entry in ClinVar:

ClinVar aggregate classification (germline): Uncertain significance (1 of 4 stars; one submission).

Submission:

CeGaT Center for Human Genetics Tuebingen
Classification: Uncertain significance. Last evaluated: 2026-09-01. Review status: criteria provided, single submitter. Criteria: CeGaT Center For Human Genetics Tuebingen Variant Classification Criteria Version 2. Collection method: clinical testing. Allele origin: germline. Affected: yes. Observed: 1 variant allele.
Comment: VPS13B: PM2, PP3

NM_152564.5(VPS13B):c.2683C>T (p.Leu895Phe)

Gene: VPS13B (vacuolar protein sorting 13 homolog B; plus strand). Cytogenetic location: 8q22.2.
Variant type: single nucleotide variant.
Coding change: c.2683C>T on transcript NM_152564.5 (MANE Select); coding-DNA position 2683, C replaced by T.
Protein change: p.Leu895Phe; replaces leucine 895 with phenylalanine.
Molecular consequence: missense variant.
Genome position (GRCh38, 1-based): chr8:99,275,113, C>T. VCF-style: chr8-99275113-C-T. GRCh37 (hg19) VCF-style: chr8-100287341-C-T.
Other names: c.2683C>T, p.Leu895Phe (NM_017890.5); short protein forms L895F.
Identifiers: ClinVar variation 5041605 (VCV005041605.1).